The following is an entry in ClinVar:

ClinVar aggregate classification (germline): Uncertain significance (1 of 4 stars; one submission).

Conditions:
Multiple gastrointestinal atresias. Also called: FAMILIAL INTESTINAL POLYATRESIA SYNDROME; Multiple intestinal atresia. Identifiers: Orphanet 2300, MedGen C0220744, MONDO:0009465.

Allele frequency attached by ClinVar (database versions not stated): gnomAD 0.00002; gnomAD exomes 0.00002; ExAC 0.00003; TOPMed 0.00004.
gnomAD v4.1: 25 of 1,613,014 alleles (0.0015%); highest among the groups gnomAD compares: Non-Finnish European, 0.0019%; no homozygotes.

Submission:

Labcorp Genetics (formerly Invitae), Labcorp
Classification: Uncertain significance for Multiple gastrointestinal atresias. Last evaluated: 2022-02-04. Review status: criteria provided, single submitter. Criteria: Invitae Variant Classification Sherloc (09022015). Collection method: clinical testing. Allele origin: germline.
Comment: This sequence change replaces valine, which is neutral and non-polar, with methionine, which is neutral and non-polar, at codon 779 of the TTC7A protein (p.Val779Met). This variant is present in population databases (rs758051924, gnomAD 0.007%). This variant has not been reported in the literature in individuals affected with TTC7A-related conditions. ClinVar contains an entry for this variant (Variation ID: 643546). Algorithms developed to predict the effect of missense changes on protein structure and function (SIFT, PolyPhen-2, Align-GVGD) all suggest that this variant is likely to be tolerated. In summary, the available evidence is currently insufficient to determine the role of this variant in disease. Therefore, it has been classified as a Variant of Uncertain Significance.

NM_020458.4(TTC7A):c.2335G>A (p.Val779Met)

Gene: TTC7A (tetratricopeptide repeat domain 7A; plus strand). Cytogenetic location: 2p21.
Variant type: single nucleotide variant.
Coding change: c.2335G>A on transcript NM_020458.4 (MANE Select); coding-DNA position 2335, G replaced by A.
Protein change: p.Val779Met; replaces valine 779 with methionine.
Molecular consequence: missense variant.
Genome position (GRCh38, 1-based): chr2:47,060,951, G>A. VCF-style: chr2-47060951-G-A. GRCh37 (hg19) VCF-style: chr2-47288090-G-A.
Other names: c.2335G>A, p.Val779Met (LRG_1323t1); c.2407G>A, p.Val803Met (NM_001288951.2); c.2233G>A, p.Val745Met (NM_001288953.2); c.1273G>A, p.Val425Met (NM_001288955.2); short protein forms V803M, V779M, V425M, V745M.
Identifiers: ClinVar variation 643546 (VCV000643546.6), dbSNP rs758051924, ClinGen allele CA1648101.